The following is an entry in ClinVar:

ClinVar aggregate classification (germline): Uncertain significance. Review status: criteria provided, multiple submitters, no conflicts (2 of 4 stars). 3 submissions from 3 submitters: Uncertain significance (3). Last evaluated 2025-03-11.

Conditions:
Inborn genetic diseases. Identifiers: MedGen C0950123, MeSH D030342.

Allele frequency attached by ClinVar (database versions not stated): gnomAD 0.00001; TOPMed 0.00002; gnomAD exomes 0.00004 and 0.00008; ExAC 0.00014.
gnomAD v4.1: 65 of 1,551,388 alleles (0.0042%); highest among the groups gnomAD compares: South Asian, 0.045%; 1 homozygote.

Submissions (3):

Ambry Genetics
Classification: Uncertain significance for Inborn genetic diseases. Last evaluated: 2025-03-11. Review status: criteria provided, single submitter. Criteria: Ambry Variant Classification Scheme 2023. Collection method: clinical testing. Allele origin: germline.

Blueprint Genetics
Classification: Uncertain significance. Last evaluated: 2024-07-31. Review status: criteria provided, single submitter. Criteria: ACMG Guidelines, 2015. Collection method: clinical testing. Allele origin: germline.

Labcorp Genetics (formerly Invitae), Labcorp
Classification: Uncertain significance. Last evaluated: 2024-05-24. Review status: criteria provided, single submitter. Criteria: Invitae Variant Classification Sherloc (09022015). Collection method: clinical testing. Allele origin: germline.
Comment: This sequence change replaces serine, which is neutral and polar, with leucine, which is neutral and non-polar, at codon 2445 of the UNC80 protein (p.Ser2445Leu). This variant is present in population databases (rs368581465, gnomAD 0.04%). This variant has not been reported in the literature in individuals affected with UNC80-related conditions. ClinVar contains an entry for this variant (Variation ID: 1398123). Advanced modeling of protein sequence and biophysical properties (such as structural, functional, and spatial information, amino acid conservation, physicochemical variation, residue mobility, and thermodynamic stability) performed at Invitae indicates that this missense variant is not expected to disrupt UNC80 protein function with a negative predictive value of 80%. In summary, the available evidence is currently insufficient to determine the role of this variant in disease. Therefore, it has been classified as a Variant of Uncertain Significance.

NM_001371986.1(UNC80):c.7532C>T (p.Ser2511Leu)

Gene: UNC80 (unc-80 subunit of NALCN channel complex; plus strand). Cytogenetic location: 2q34.
Variant type: single nucleotide variant.
Coding change: c.7532C>T on transcript NM_001371986.1 (MANE Select); coding-DNA position 7532, C replaced by T.
Protein change: p.Ser2511Leu; replaces serine 2511 with leucine.
Molecular consequence: missense variant.
Genome position (GRCh38, 1-based): chr2:209,957,718, C>T. VCF-style: chr2-209957718-C-T. GRCh37 (hg19) VCF-style: chr2-210822442-C-T.
Other names: c.7334C>T (NM_032504.1); c.7334C>T, p.Ser2445Leu (NM_032504.2); c.7319C>T, p.Ser2440Leu (NM_182587.4); short protein forms S2445L, S2440L, S2511L.
Identifiers: ClinVar variation 1398123 (VCV001398123.8), dbSNP rs368581465, ClinGen allele CA2083477.